The following is an entry in ClinVar:

ClinVar aggregate classification (germline): Likely pathogenic (1 of 4 stars; one submission).

Conditions:
Hereditary leiomyomatosis and renal cell cancer. Also called: Familial leiomyomatosis; Multiple cutaneous leiomyomas; MULTIPLE CUTANEOUS AND UTERINE LEIOMYOMATA 1, WITH OR WITHOUT RENAL CELL CARCINOMA; Reed syndrome; Multiple cutaneous and uterine leiomyomatosis; Cutaneous leiomyomata with uterine leiomyomata. Identifiers: Orphanet 523, MedGen C1708350, MONDO:0007888, OMIM 150800, HP:0007437. Disease mechanism: loss of function.

Submission:

Genetics and Molecular Pathology, SA Pathology
Classification: Likely pathogenic for Hereditary leiomyomatosis and renal cell cancer. Last evaluated: 2021-11-10. Review status: criteria provided, single submitter. Criteria: ACMG Guidelines, 2015. Collection method: clinical testing. Allele origin: germline. Inheritance: Autosomal dominant inheritance. Affected: yes.
Comment: The FH c.1064A>T variant is classified as Likely Pathogenic (PS3_Supporting, PM5_Supporting, PM2, PP3, PP4) The FH c.1064A>T variant is a single nucleotide change in exon 7/10 of the FH gene, which is predicted to change the amino acid glutamic acid at position 355 in the protein to valine. This variant is absent from population databases (PM2). Well-established functional studies show a deleterious effect of this variant, however, addtiional functional evidence is required to confirm the impact of this variant ( Immunohistochemistry of two separate leiomyomas from this patient showed abnormal pattern of staining, indicating that the tumours were FH deficient. ) (PS3_supporting). This variant is a novel missense change at an amino acid residue where a different missense change has been seen before (HGMD: CM030852 - c.1063G>A; p.E355K Disease causing for leiomyomatosis) ( HGMD: CM030852 - c.1063G>A; p.E355K Disease causing for leiomyomatosis ) (PM5_supporting). Computational predictions support a deleterious effect on the gene or gene product (PP3). The clinical features of this case are highly specific for the FH, the family history is consistent with the mode of inheritance of this condition and this patient has a well-defined syndrome with little overlap with other clinical presentations (Variant classification upgraded to LP following IHC studies. - PP4).

NM_000143.4(FH):c.1064A>T (p.Glu355Val)

Gene: FH (fumarate hydratase; minus strand). Cytogenetic location: 1q43.
Variant type: single nucleotide variant.
Coding change: c.1064A>T on transcript NM_000143.4 (MANE Select); coding-DNA position 1064, A replaced by T.
Protein change: p.Glu355Val; replaces glutamic acid 355 with valine.
Molecular consequence: missense variant.
Genome position (GRCh38, 1-based): chr1:241,504,086, T>A on the plus strand (A>T on the coding strand, the complement: FH is on the minus strand). VCF-style: chr1-241504086-T-A. GRCh37 (hg19) VCF-style: chr1-241667386-T-A.
Other names: short protein forms E355V.
Identifiers: ClinVar variation 1803287 (VCV001803287.1), dbSNP rs2527319221, ClinGen allele CA345438082.